The following is an entry in ClinVar:

ClinVar aggregate classification (germline): Conflicting classifications of pathogenicity. Review status: criteria provided, conflicting classifications (1 of 4 stars). 5 submissions from 5 submitters: Uncertain significance (2); Benign (1); Likely benign (2). Last evaluated 2026-09-03.

Conditions:
PACS1-related disorder. Also called: PACS1-related condition.
Inborn genetic diseases. Identifiers: MedGen C0950123, MeSH D030342.
Schuurs-Hoeijmakers syndrome. Also called: PACS1-Related Neurodevelopmental Disorder. Identifiers: Orphanet 329224, MedGen C3554343, MONDO:0014006, OMIM 615009.

Allele frequency attached by ClinVar (database versions not stated): gnomAD 0.00003 and 0.00004; TOPMed 0.00011.
gnomAD v4.1: 21 of 1,614,036 alleles (0.0013%); highest among the groups gnomAD compares: Admixed American, 0.005%; no homozygotes.

Submissions (5):

PreventionGenetics, part of Exact Sciences
Classification: Likely benign for PACS1-related condition. Last evaluated: 2026-09-03. Review status: criteria provided, single submitter. Criteria: ACMG Guidelines, 2015. Collection method: clinical testing. Allele origin: germline.
Comment: This variant is classified as likely benign based on ACMG/AMP sequence variant interpretation guidelines (Richards et al. 2015 PMID: 25741868, with internal and published modifications).

Women's Health and Genetics/Laboratory Corporation of America, LabCorp
Classification: Uncertain significance. Last evaluated: 2026-05-20. Review status: criteria provided, single submitter. Criteria: LabCorp Variant Classification Summary - May 2015. Collection method: clinical testing. Allele origin: germline.
Comment: Variant summary: PACS1 c.1286C>G (p.Thr429Ser) results in a conservative amino acid change in the encoded protein sequence. Algorithms developed to predict the effect of missense changes on protein structure and function are either unavailable or do not agree on the potential impact of this missense change. The variant allele was found at a frequency of 1.2e-05 in 251124 control chromosomes. The available data on variant occurrences in the general population are insufficient to allow any conclusion about variant significance. To our knowledge, no occurrence of c.1286C>G in individuals affected with PACS1-related conditions and no experimental evidence demonstrating its impact on protein function have been reported. ClinVar contains an entry for this variant (Variation ID: 1341823). Based on the evidence outlined above, the variant was classified as uncertain significance.

Labcorp Genetics (formerly Invitae), Labcorp
Classification: Benign for Schuurs-Hoeijmakers syndrome. Last evaluated: 2025-11-23. Review status: criteria provided, single submitter. Criteria: Invitae Variant Classification Sherloc (09022015). Collection method: clinical testing. Allele origin: germline.

Ambry Genetics
Classification: Likely benign for Inborn genetic diseases. Last evaluated: 2025-11-08. Review status: criteria provided, single submitter. Criteria: Ambry Variant Classification Scheme 2023. Collection method: clinical testing. Allele origin: germline.

New York Genome Center
Classification: Uncertain significance for Schuurs-Hoeijmakers syndrome. Last evaluated: 2020-06-05. Review status: criteria provided, single submitter. Criteria: NYGC Assertion Criteria 2020. Collection method: clinical testing. Allele origin: germline. Observed: 1 heterozygote. Study: CSER-NYCKidSeq.

NM_018026.4(PACS1):c.1286C>G (p.Thr429Ser)

Gene: PACS1 (phosphofurin acidic cluster sorting protein 1; plus strand). Cytogenetic location: 11q13.2.
Variant type: single nucleotide variant.
Coding change: c.1286C>G on transcript NM_018026.4 (MANE Select); coding-DNA position 1286, C replaced by G.
Protein change: p.Thr429Ser; replaces threonine 429 with serine.
Molecular consequence: missense variant.
Genome position (GRCh38, 1-based): chr11:66,221,240, C>G. VCF-style: chr11-66221240-C-G. GRCh37 (hg19) VCF-style: chr11-65988711-C-G.
Other names: c.1286C>G (NM_018026.2, NM_018026.3); short protein forms T429S.
Identifiers: ClinVar variation 1341823 (VCV001341823.9), dbSNP rs760985201, ClinGen allele CA6116517.